The following is an entry in ClinVar:

ClinVar aggregate classification (germline): Uncertain significance. Review status: criteria provided, multiple submitters, no conflicts (2 of 4 stars). 2 submissions from 2 submitters: Uncertain significance (2). Last evaluated 2023-07-11.

Conditions:
Hereditary cancer-predisposing syndrome. Also called: Hereditary Cancer Syndrome; Hereditary neoplastic syndrome; Tumor predisposition; Neoplastic Syndromes, Hereditary. Identifiers: Orphanet 140162, MedGen C0027672, MeSH D009386, MONDO:0015356.
Endometrial carcinoma. Also called: Endometrial carcinoma, somatic. Identifiers: MedGen C0476089, MONDO:0002447, OMIM 608089, HP:0012114.

Submissions (2):

Baylor Genetics
Classification: Uncertain significance for Endometrial carcinoma. Last evaluated: 2023-07-11. Review status: criteria provided, single submitter. Criteria: ACMG Guidelines, 2015. Collection method: clinical testing. Allele origin: unknown.

Ambry Genetics
Classification: Uncertain significance for Hereditary cancer-predisposing syndrome. Last evaluated: 2021-06-25. Review status: criteria provided, single submitter. Criteria: Ambry Variant Classification Scheme 2023. Collection method: clinical testing. Allele origin: germline.
Comment: The p.K775E variant (also known as c.2323A>G), located in coding exon 17 of the MSH3 gene, results from an A to G substitution at nucleotide position 2323. The lysine at codon 775 is replaced by glutamic acid, an amino acid with similar properties. This amino acid position is highly conserved in available vertebrate species. In addition, this alteration is predicted to be deleterious by in silico analysis. Since supporting evidence is limited at this time, the clinical significance of this alteration remains unclear.

NM_002439.5(MSH3):c.2323A>G (p.Lys775Glu)

Gene: MSH3 (mutS homolog 3; plus strand). Cytogenetic location: 5q14.1.
Variant type: single nucleotide variant.
Coding change: c.2323A>G on transcript NM_002439.5 (MANE Select); coding-DNA position 2323, A replaced by G.
Protein change: p.Lys775Glu; replaces lysine 775 with glutamic acid.
Molecular consequence: missense variant.
Genome position (GRCh38, 1-based): chr5:80,778,724, A>G. VCF-style: chr5-80778724-A-G. GRCh37 (hg19) VCF-style: chr5-80074543-A-G.
Other names: short protein forms K775E.
Identifiers: ClinVar variation 1789604 (VCV001789604.3), dbSNP rs2546779497, ClinGen allele CA360281707.